The following is an entry in ClinVar:

NM_005751.5(AKAP9):c.10680A>G (p.Gln3560=)

Gene: AKAP9 (A-kinase anchoring protein 9; plus strand). Cytogenetic location: 7q21.2.
Variant type: single nucleotide variant.
Coding change: c.10680A>G on transcript NM_005751.5 (MANE Select); coding-DNA position 10680, A replaced by G.
Protein change: p.Gln3560=; no amino-acid change (glutamine 3560 retained).
Molecular consequence: synonymous variant.
Genome position (GRCh38, 1-based): chr7:92,098,181, A>G. VCF-style: chr7-92098181-A-G. GRCh37 (hg19) VCF-style: chr7-91727495-A-G.
Other names: c.5325A>G, p.Gln1775= (NM_001379277.1); c.10656A>G, p.Gln3552= (NM_147185.3).
Identifiers: ClinVar variation 1782318 (VCV001782318.2), dbSNP rs1816932363, ClinGen allele CA456453852.

ClinVar aggregate classification (germline): Uncertain significance (1 of 4 stars; one submission).

Conditions:
Cardiovascular phenotype. Identifiers: MedGen CN230736.

Allele frequency attached by ClinVar (database versions not stated): gnomAD exomes below 0.00001; gnomAD 0.00001.
gnomAD v4.1: 3 of 1,611,454 alleles (0.00019%); highest among the groups gnomAD compares: Admixed American, 0.0017%; no homozygotes.

Submission:

Ambry Genetics
Classification: Uncertain significance for Cardiovascular phenotype. Last evaluated: 2022-06-08. Review status: criteria provided, single submitter. Criteria: Ambry Variant Classification Scheme 2023. Collection method: clinical testing. Allele origin: germline.
Comment: The c.10680A>G variant (also known as p.Q3560Q), located in coding exon 43 of the AKAP9 gene, results from an A to G substitution at nucleotide position 10680. This nucleotide substitution does not change the glutamine at codon 3560. This nucleotide position is not well conserved in available vertebrate species. In silico splice site analysis for this alteration is inconclusive. The evidence for this gene-disease relationship is limited; therefore, the clinical significance of this alteration is unclear.